The following is an entry in ClinVar:

NM_001447.3(FAT2):c.9428-57_9437dup

Genes: SLC36A1 (solute carrier family 36 member 1; plus strand), FAT2 (FAT atypical cadherin 2; minus strand). Cytogenetic location: 5q33.1.
Variant type: Duplication.
Coding change: c.9428-57_9437dup on transcript NM_001447.3 (MANE Select); 57 bases into the intron before coding-DNA position 9428 through coding-DNA position 9437, 67 bases duplicated.
Molecular consequence: splice acceptor variant.
Genome position (GRCh38, 1-based): chr5:151,531,961-151,532,027, 67 bases duplicated. GRCh37 (hg19): chr5:150,911,525-150,911,591.
Identifiers: ClinVar variation 4698538 (VCV004698538.1).

ClinVar aggregate classification (germline): Uncertain significance (1 of 4 stars; one submission).

Submission:

Labcorp Genetics (formerly Invitae), Labcorp
Classification: Uncertain significance. Last evaluated: 2025-06-25. Review status: criteria provided, single submitter. Criteria: Invitae Variant Classification Sherloc (09022015). Collection method: clinical testing. Allele origin: germline.
Comment: This sequence change falls in intron 12 of the FAT2 gene. It does not directly change the encoded amino acid sequence of the FAT2 protein. This variant is present in population databases (no rsID available, gnomAD 0.006%). This variant has not been reported in the literature in individuals affected with FAT2-related conditions. Experimental studies and prediction algorithms are not available or were not evaluated, and the effect of this variant on mRNA splicing is currently unknown. In summary, the available evidence is currently insufficient to determine the role of this variant in disease. Therefore, it has been classified as a Variant of Uncertain Significance.